The following is an entry in ClinVar:

NM_000059.4(BRCA2):c.1877A>G (p.Glu626Gly)

Gene: BRCA2 (BRCA2 DNA repair associated; plus strand). Cytogenetic location: 13q13.1.
Variant type: single nucleotide variant.
Coding change: c.1877A>G on transcript NM_000059.4 (MANE Select); coding-DNA position 1877, A replaced by G.
Protein change: p.Glu626Gly; replaces glutamic acid 626 with glycine.
Molecular consequence: missense variant. On other transcripts: non-coding transcript variant (1), intron variant (1).
Genome position (GRCh38, 1-based): chr13:32,333,355, A>G. VCF-style: chr13-32333355-A-G. GRCh37 (hg19) VCF-style: chr13-32907492-A-G.
Other names: c.1877A>G, p.Glu626Gly (NM_001406719.1, NM_001406720.1, NM_001406721.1 and 1 more transcripts); c.424+2325A>G (NM_001406722.1); short protein forms E626G.
Identifiers: ClinVar variation 3572344 (VCV003572344.2).

ClinVar aggregate classification (germline): Uncertain significance. Review status: criteria provided, multiple submitters, no conflicts (2 of 4 stars). 2 submissions from 2 submitters: Uncertain significance (2). Last evaluated 2026-01-13.

Conditions:
Hereditary breast ovarian cancer syndrome. Also called: Hereditary breast and ovarian cancer syndrome; Breast and ovarian cancer; Hereditary breast and ovarian cancer; Hereditary breast and/or ovarian cancer syndrome; Hereditary breast and ovarian cancer syndrome (HBOC); BRCA1- and BRCA2-Associated Hereditary Breast and Ovarian Cancer. Identifiers: Orphanet 145, MedGen C0677776, MeSH D061325, MONDO:0003582. Disease mechanism: loss of function.

Submissions (2):

Labcorp Genetics (formerly Invitae), Labcorp
Classification: Uncertain significance for Hereditary breast ovarian cancer syndrome. Last evaluated: 2026-01-13. Review status: criteria provided, single submitter. Criteria: Invitae Variant Classification Sherloc (09022015). Collection method: clinical testing. Allele origin: germline.
Comment: This sequence change replaces glutamic acid, which is acidic and polar, with glycine, which is neutral and non-polar, at codon 626 of the BRCA2 protein (p.Glu626Gly). This variant is not present in population databases (gnomAD no frequency). This variant has not been reported in the literature in individuals affected with BRCA2-related conditions. ClinVar contains an entry for this variant (Variation ID: 3572344). Invitae Evidence Modeling of protein sequence and biophysical properties (such as structural, functional, and spatial information, amino acid conservation, physicochemical variation, residue mobility, and thermodynamic stability) indicates that this missense variant is not expected to disrupt BRCA2 protein function with a negative predictive value of 95%. In summary, the available evidence is currently insufficient to determine the role of this variant in disease. Therefore, it has been classified as a Variant of Uncertain Significance.

Quest Diagnostics Nichols Institute San Juan Capistrano
Classification: Uncertain significance. Last evaluated: 2024-10-07. Review status: criteria provided, single submitter. Criteria: Quest Diagnostics criteria. Collection method: clinical testing. Allele origin: unknown.
Comment: The BRCA2 c.1877A>G (p.Glu626Gly) variant has not been reported in individuals with BRCA2-related conditions in the published literature. It also has not been reported in large, multi-ethnic general populations (Genome Aggregation Database). Analysis of this variant using bioinformatics tools for the prediction of the effect of amino acid changes on protein structure and function yielded predictions that this variant is benign. Based on the available information, we are unable to determine the clinical significance of this variant.